The following is an entry in ClinVar:

ClinVar aggregate classification (germline): Uncertain significance (1 of 4 stars; one submission).

Conditions:
Frontotemporal dementia and/or amyotrophic lateral sclerosis 7 (FTDALS7). Also called: AMYOTROPHIC LATERAL SCLEROSIS, CHMP2B-RELATED; CHMP2B-related frontotemporal dementia; CHMP2B-Related Frontotemporal Dementia-Amyotrophic Lateral Sclerosis; Amyotrophic lateral sclerosis 17. Identifiers: Orphanet 275864, Orphanet 282, Orphanet 803, MedGen C1833296, MONDO:0010936, OMIM 600795.

Submission:

Labcorp Genetics (formerly Invitae), Labcorp
Classification: Uncertain significance for Frontotemporal dementia and/or amyotrophic lateral sclerosis 7. Last evaluated: 2022-06-14. Review status: criteria provided, single submitter. Criteria: Invitae Variant Classification Sherloc (09022015). Collection method: clinical testing. Allele origin: germline.
Comment: In summary, the available evidence is currently insufficient to determine the role of this variant in disease. Therefore, it has been classified as a Variant of Uncertain Significance. Algorithms developed to predict the effect of missense changes on protein structure and function are either unavailable or do not agree on the potential impact of this missense change (SIFT: "Tolerated"; PolyPhen-2: "Probably Damaging"; Align-GVGD: "Class C0"). This variant has not been reported in the literature in individuals affected with CHMP2B-related conditions. This variant is not present in population databases (gnomAD no frequency). This sequence change replaces glycine, which is neutral and non-polar, with alanine, which is neutral and non-polar, at codon 211 of the CHMP2B protein (p.Gly211Ala).

NM_014043.4(CHMP2B):c.632G>C (p.Gly211Ala)

Gene: CHMP2B (charged multivesicular body protein 2B; plus strand). Cytogenetic location: 3p11.2.
Variant type: single nucleotide variant.
Coding change: c.632G>C on transcript NM_014043.4 (MANE Select); coding-DNA position 632, G replaced by C.
Protein change: p.Gly211Ala; replaces glycine 211 with alanine.
Molecular consequence: missense variant.
Genome position (GRCh38, 1-based): chr3:87,253,812, G>C. VCF-style: chr3-87253812-G-C. GRCh37 (hg19) VCF-style: chr3-87302962-G-C.
Other names: c.509G>C, p.Gly170Ala (NM_001244644.2); c.728G>C, p.Gly243Ala (NM_001410777.1); short protein forms G170A, G211A, G243A.
Identifiers: ClinVar variation 2006391 (VCV002006391.4), dbSNP rs2471774666, ClinGen allele CA353697910.